The following is an entry in ClinVar:

ClinVar aggregate classification (germline): Uncertain significance (1 of 4 stars; one submission).

Conditions:
Hypertrophic cardiomyopathy. Also called: HYPERTROPHIC MYOCARDIOPATHY. Identifiers: Orphanet 217569, MedGen C0007194, MeSH D002312, MONDO:0005045, HP:0001639.

Submission:

Labcorp Genetics (formerly Invitae), Labcorp
Classification: Uncertain significance for Hypertrophic cardiomyopathy. Last evaluated: 2018-12-18. Review status: criteria provided, single submitter. Criteria: Invitae Variant Classification Sherloc (09022015). Collection method: clinical testing. Allele origin: germline.
Comment: This sequence change replaces leucine with proline at codon 718 of the MYBPC3 protein (p.Leu718Pro). The leucine residue is highly conserved and there is a moderate physicochemical difference between leucine and proline. This variant is not present in population databases (ExAC no frequency). This variant has not been reported in the literature in individuals with MYBPC3-related conditions. Algorithms developed to predict the effect of missense changes on protein structure and function are either unavailable or do not agree on the potential impact of this missense change (SIFT: "Deleterious"; PolyPhen-2: "Probably Damaging"; Align-GVGD: "Class C0"). In summary, the available evidence is currently insufficient to determine the role of this variant in disease. Therefore, it has been classified as a Variant of Uncertain Significance.

NM_000256.3(MYBPC3):c.2153T>C (p.Leu718Pro)

Gene: MYBPC3 (myosin binding protein C3; minus strand). Cytogenetic location: 11p11.2.
Variant type: single nucleotide variant.
Coding change: c.2153T>C on transcript NM_000256.3 (MANE Select); coding-DNA position 2153, T replaced by C.
Protein change: p.Leu718Pro; replaces leucine 718 with proline.
Molecular consequence: missense variant.
Genome position (GRCh38, 1-based): chr11:47,338,675, A>G on the plus strand (T>C on the coding strand, the complement: MYBPC3 is on the minus strand). VCF-style: chr11-47338675-A-G. GRCh37 (hg19) VCF-style: chr11-47360226-A-G.
Other names: c.2153T>C, p.Leu718Pro (LRG_386t1); short protein forms L718P.
Identifiers: ClinVar variation 649365 (VCV000649365.8), dbSNP rs1595844393, ClinGen allele CA380320657.